The following is an entry in ClinVar:

ClinVar aggregate classification (germline): Uncertain significance. Review status: criteria provided, single submitter (1 of 4 stars). 2 submissions from 2 submitters: Uncertain significance (1). 1 of the submissions does not count toward it. Last evaluated 2022-05-14.

Conditions:
GNPTG-mucolipidosis. Also called: MUCOLIPIDOSIS III, COMPLEMENTATION GROUP C; MUCOLIPIDOSIS III, IRANIAN VARIANT FORM; MUCOLIPIDOSIS III, VARIANT FORM; ML III GAMMA; ML IIIC; Mucolipidosis type III gamma. Identifiers: Orphanet 423470, Orphanet 577, MedGen C1854896, MONDO:0009652, OMIM 252605.

Allele frequency attached by ClinVar (database versions not stated): TOPMed 0.00001.
gnomAD v4.1: 10 of 1,613,900 alleles (0.00062%); highest among the groups gnomAD compares: Non-Finnish European, 0.00068%; no homozygotes.

Submissions (2):

Labcorp Genetics (formerly Invitae), Labcorp
Classification: Uncertain significance. Last evaluated: 2022-05-14. Review status: criteria provided, single submitter. Criteria: Invitae Variant Classification Sherloc (09022015). Collection method: clinical testing. Allele origin: germline.
Comment: This sequence change replaces histidine, which is basic and polar, with glutamine, which is neutral and polar, at codon 266 of the GNPTG protein (p.His266Gln). This variant is present in population databases (no rsID available, gnomAD 0.002%). This variant has not been reported in the literature in individuals affected with GNPTG-related conditions. ClinVar contains an entry for this variant (Variation ID: 971493). Algorithms developed to predict the effect of missense changes on protein structure and function are either unavailable or do not agree on the potential impact of this missense change (SIFT: "Tolerated"; PolyPhen-2: "Possibly Damaging"; Align-GVGD: "Class C0"). Algorithms developed to predict the effect of sequence changes on RNA splicing suggest that this variant may disrupt the consensus splice site. In summary, the available evidence is currently insufficient to determine the role of this variant in disease. Therefore, it has been classified as a Variant of Uncertain Significance.

Natera, Inc.
Classification: Uncertain significance for Mucolipidosis III gamma. Last evaluated: 2020-03-17. Review status: no assertion criteria provided. Collection method: clinical testing. Allele origin: germline. Not counted in ClinVar's aggregate classification.

NM_032520.5(GNPTG):c.798C>G (p.His266Gln)

Gene: GNPTG (N-acetylglucosamine-1-phosphate transferase subunit gamma; plus strand). Cytogenetic location: 16p13.3.
Variant type: single nucleotide variant.
Coding change: c.798C>G on transcript NM_032520.5 (MANE Select); coding-DNA position 798, C replaced by G.
Protein change: p.His266Gln; replaces histidine 266 with glutamine.
Molecular consequence: missense variant.
Genome position (GRCh38, 1-based): chr16:1,362,881, C>G. VCF-style: chr16-1362881-C-G. GRCh37 (hg19) VCF-style: chr16-1412882-C-G.
Other names: short protein forms H266Q.
Identifiers: ClinVar variation 971493 (VCV000971493.5), dbSNP rs375787769, ClinGen allele CA394188777.